The following is an entry in ClinVar:

ClinVar aggregate classification (germline): Conflicting classifications of pathogenicity. Review status: criteria provided, conflicting classifications (1 of 4 stars). 3 submissions from 3 submitters: Uncertain significance (2); Likely benign (1). Last evaluated 2026-08-06.

Conditions:
Familial sleep-related hypermotor epilepsy. Also called: Autosomal Dominant Sleep-Related Hypermotor (Hyperkinetic) Epilepsy. Identifiers: Orphanet 98784, MedGen C3696898, MONDO:0000030.
Autosomal dominant nocturnal frontal lobe epilepsy 4. Also called: CHRNA2-Related Nocturnal Frontal Lobe Epilepsy, Autosomal Dominant; EPILEPSY, FAMILIAL, WITH NOCTURNAL WANDERING AND ICTAL FEAR. Identifiers: Orphanet 98784, MedGen C1835905, MONDO:0012474, OMIM 610353.

Submissions (3):

OLLIN Analises Genomicas, OLLIN
Classification: Uncertain significance for Autosomal dominant nocturnal frontal lobe epilepsy 4. Last evaluated: 2026-08-06. Review status: criteria provided, single submitter. Criteria: ACMG Guidelines 2015 PMID 25741868. Collection method: clinical testing. Allele origin: germline. Inheritance: Autosomal dominant inheritance.
Comment: This missense variant, located in exon 6 (of 7), is absent from gnomAD and has not been identified in the literature. However, it has been reported in ClinVar (accession VCV000543529.5). In silico analysis is inconclusive regarding the impact of this variant. According to the currently available evidence, this variant has been classified as uncertain significance (PM2_P).

Labcorp Genetics (formerly Invitae), Labcorp
Classification: Likely benign. Last evaluated: 2025-08-18. Review status: criteria provided, single submitter. Criteria: Invitae Variant Classification Sherloc (09022015). Collection method: clinical testing. Allele origin: germline.

Blueprint Genetics
Classification: Uncertain significance. Last evaluated: 2024-11-13. Review status: criteria provided, single submitter. Criteria: ACMG Guidelines, 2015. Collection method: clinical testing. Allele origin: germline.

NM_000742.4(CHRNA2):c.695C>A (p.Ala232Asp)

Gene: CHRNA2 (cholinergic receptor nicotinic alpha 2 subunit; minus strand). Cytogenetic location: 8p21.2.
Variant type: single nucleotide variant.
Coding change: c.695C>A on transcript NM_000742.4 (MANE Select); coding-DNA position 695, C replaced by A.
Protein change: p.Ala232Asp; replaces alanine 232 with aspartic acid.
Molecular consequence: missense variant.
Genome position (GRCh38, 1-based): chr8:27,463,748, G>T on the plus strand (C>A on the coding strand, the complement: CHRNA2 is on the minus strand). VCF-style: chr8-27463748-G-T. GRCh37 (hg19) VCF-style: chr8-27321265-G-T.
Other names: c.650C>A, p.Ala217Asp (NM_001282455.2); c.218C>A, p.Ala73Asp (NM_001347705.2, NM_001347706.2); c.101C>A, p.Ala34Asp (NM_001347707.2, NM_001347708.2); short protein forms A232D, A34D, A73D, A217D.
Identifiers: ClinVar variation 543529 (VCV000543529.7), dbSNP rs933808461, ClinGen allele CA174242480.